The following is an entry in ClinVar:

ClinVar aggregate classification (germline): Likely benign (1 of 4 stars; one submission).

Allele frequency attached by ClinVar (database versions not stated): gnomAD exomes below 0.00001.
gnomAD v4.1: 3 of 1,614,186 alleles (0.00019%); highest among the groups gnomAD compares: African/African-American, 0.0027%; no homozygotes.

Submission:

CeGaT Center for Human Genetics Tuebingen
Classification: Likely benign. Last evaluated: 2022-06-01. Review status: criteria provided, single submitter. Criteria: CeGaT Center For Human Genetics Tuebingen Variant Classification Criteria Version 2. Collection method: clinical testing. Allele origin: germline. Affected: yes. Observed: 1 variant allele.
Comment: PCNX1: PM2:Supporting, BP4, BP7

NM_014982.3(PCNX1):c.694T>C (p.Leu232=)

Gene: PCNX1 (pecanex 1; plus strand). Cytogenetic location: 14q24.2.
Variant type: single nucleotide variant.
Coding change: c.694T>C on transcript NM_014982.3 (MANE Select); coding-DNA position 694, T replaced by C.
Protein change: p.Leu232=; no amino-acid change (leucine 232 retained).
Molecular consequence: synonymous variant.
Genome position (GRCh38, 1-based): chr14:70,977,031, T>C. VCF-style: chr14-70977031-T-C. GRCh37 (hg19) VCF-style: chr14-71443748-T-C.
Other names: c.694T>C, p.Leu232= (NM_001308160.2).
Identifiers: ClinVar variation 2644350 (VCV002644350.24), dbSNP rs2058709705, ClinGen allele CA487250066.